The following is an entry in ClinVar:

NM_015338.6(ASXL1):c.689T>C (p.Leu230Pro)

Gene: ASXL1 (ASXL transcriptional regulator 1; plus strand). Cytogenetic location: 20q11.21.
Variant type: single nucleotide variant.
Coding change: c.689T>C on transcript NM_015338.6 (MANE Select); coding-DNA position 689, T replaced by C.
Protein change: p.Leu230Pro; replaces leucine 230 with proline.
Molecular consequence: missense variant. On other transcripts: intron variant (1).
Genome position (GRCh38, 1-based): chr20:32,430,024, T>C. VCF-style: chr20-32430024-T-C. GRCh37 (hg19) VCF-style: chr20-31017827-T-C.
Other names: c.535+593T>C (NM_001363734.1); short protein forms L230P.
Identifiers: ClinVar variation 4159278 (VCV004159278.1).

ClinVar aggregate classification (germline): Uncertain significance (1 of 4 stars; one submission).

Conditions:
Inborn genetic diseases. Identifiers: MedGen C0950123, MeSH D030342.

Submission:

Ambry Genetics
Classification: Uncertain significance for Inborn genetic diseases. Last evaluated: 2025-08-30. Review status: criteria provided, single submitter. Criteria: Ambry Variant Classification Scheme 2023. Collection method: clinical testing. Allele origin: germline.
Comment: The p.L230P variant (also known as c.689T>C), located in coding exon 8 of the ASXL1 gene, results from a T to C substitution at nucleotide position 689. The leucine at codon 230 is replaced by proline, an amino acid with similar properties. This amino acid position is conserved. In addition, this alteration is predicted to be tolerated by in silico analysis. Based on the available evidence, the clinical significance of this variant remains unclear.